The following is an entry in ClinVar:

NM_005559.4(LAMA1):c.4878G>A (p.Thr1626=)

Gene: LAMA1 (laminin subunit alpha 1; minus strand). Cytogenetic location: 18p11.31.
Variant type: single nucleotide variant.
Coding change: c.4878G>A on transcript NM_005559.4 (MANE Select); coding-DNA position 4878, G replaced by A.
Protein change: p.Thr1626=; no amino-acid change (threonine 1626 retained).
Molecular consequence: synonymous variant.
Genome position (GRCh38, 1-based): chr18:6,995,375, C>T on the plus strand (G>A on the coding strand, the complement: LAMA1 is on the minus strand). VCF-style: chr18-6995375-C-T. GRCh37 (hg19) VCF-style: chr18-6995374-C-T.
Identifiers: ClinVar variation 756668 (VCV000756668.17), dbSNP rs763453529, ClinGen allele CA8881773.

ClinVar aggregate classification (germline): Benign/Likely benign. Review status: criteria provided, multiple submitters, no conflicts (2 of 4 stars). 3 submissions from 3 submitters: Benign (1); Likely benign (2). Last evaluated 2025-08-01.

Allele frequency attached by ClinVar (database versions not stated): TOPMed 0.00006; gnomAD exomes 0.00027 and 0.00060; ExAC 0.00046; gnomAD 0.00060 and 0.00066.
gnomAD v4.1: 491 of 1,613,052 alleles (0.03%); highest among the groups gnomAD compares: Non-Finnish European, 0.009%; 1 homozygote.

Submissions (3):

CeGaT Center for Human Genetics Tuebingen
Classification: Likely benign. Last evaluated: 2025-08-01. Review status: criteria provided, single submitter. Criteria: CeGaT Center For Human Genetics Tuebingen Variant Classification Criteria Version 2. Collection method: clinical testing. Allele origin: germline. Affected: yes. Observed: 1 variant allele.
Comment: LAMA1: BP4, BP7

Labcorp Genetics (formerly Invitae), Labcorp
Classification: Benign. Last evaluated: 2025-07-14. Review status: criteria provided, single submitter. Criteria: Invitae Variant Classification Sherloc (09022015). Collection method: clinical testing. Allele origin: germline.

Blueprint Genetics
Classification: Likely benign. Last evaluated: 2024-10-30. Review status: criteria provided, single submitter. Criteria: ACMG Guidelines, 2015. Collection method: clinical testing. Allele origin: germline.